The following is an entry in ClinVar:

ClinVar aggregate classification (germline): Likely benign. Review status: criteria provided, multiple submitters, no conflicts (2 of 4 stars). 3 submissions from 3 submitters: Likely benign (2). 1 of the submissions does not count toward it. Last evaluated 2025-12-01.

Conditions:
VPS35L-related disorder. Also called: VPS35L-related condition.
Ritscher-Schinzel syndrome. Also called: CRANIOCEREBELLOCARDIAC DYSPLASIA. Identifiers: Orphanet 7, MedGen C0796137, MONDO:0019078.

Allele frequency attached by ClinVar (database versions not stated): 1000 Genomes Project 0.00100; 1000 Genomes Project 30x 0.00125; TOPMed 0.00218; gnomAD 0.00220; ESP Exome Variant Server 0.00246.
gnomAD v4.1: 5,222 of 1,612,860 alleles (0.32%); highest among the groups gnomAD compares: Non-Finnish European, 0.39%; 18 homozygotes.

Submissions (30):

CeGaT Center for Human Genetics Tuebingen
Classification: Likely benign. Last evaluated: 2025-12-01. Review status: criteria provided, single submitter. Criteria: CeGaT Center For Human Genetics Tuebingen Variant Classification Criteria Version 2. Collection method: clinical testing. Allele origin: germline. Affected: yes. Observed: 7 variant alleles.
Comment: VPS35L: PP3, BS2

Molecular Genetics, Royal Melbourne Hospital
Classification: Likely benign for Ritscher-Schinzel syndrome. Last evaluated: 2023-06-06. Review status: criteria provided, single submitter. Criteria: ACMG Guidelines, 2015. Collection method: clinical testing. Allele origin: germline. Inheritance: Autosomal recessive inheritance.

PreventionGenetics, part of Exact Sciences
Classification: Likely benign for VPS35L-related condition. Last evaluated: 2023-01-19. Review status: no assertion criteria provided. Collection method: clinical testing. Allele origin: germline. Not counted in ClinVar's aggregate classification.
Comment: This variant is classified as likely benign based on ACMG/AMP sequence variant interpretation guidelines (Richards et al. 2015 PMID: 25741868, with internal and published modifications).

Dr. Peter K. Rogan Lab, Western University
No classification provided (evidence only). Condition: Malignant tumor of urinary bladder. Review status: no classification provided. Collection method: in vitro. Allele origin: not applicable. Functional consequence: skipped exon, retained intron. Not counted in ClinVar's aggregate classification.

Dr. Peter K. Rogan Lab, Western University
No classification provided (evidence only). Condition: Malignant tumor of urinary bladder. Review status: no classification provided. Collection method: in vitro. Allele origin: not applicable. Functional consequence: skipped exon, retained intron. Not counted in ClinVar's aggregate classification.

Dr. Peter K. Rogan Lab, Western University
No classification provided (evidence only). Condition: Clear cell carcinoma of kidney. Review status: no classification provided. Collection method: in vitro. Allele origin: not applicable. Functional consequence: skipped exon, retained intron. Not counted in ClinVar's aggregate classification.

Dr. Peter K. Rogan Lab, Western University
No classification provided (evidence only). Condition: Clear cell carcinoma of kidney. Review status: no classification provided. Collection method: in vitro. Allele origin: not applicable. Functional consequence: skipped exon, retained intron. Not counted in ClinVar's aggregate classification.

Dr. Peter K. Rogan Lab, Western University
No classification provided (evidence only). Condition: Lung cancer. Review status: no classification provided. Collection method: in vitro. Allele origin: not applicable. Functional consequence: skipped exon, retained intron. Not counted in ClinVar's aggregate classification.

Dr. Peter K. Rogan Lab, Western University
No classification provided (evidence only). Condition: Lung cancer. Review status: no classification provided. Collection method: in vitro. Allele origin: not applicable. Functional consequence: skipped exon, retained intron. Not counted in ClinVar's aggregate classification.

Dr. Peter K. Rogan Lab, Western University
No classification provided (evidence only). Condition: Familial cancer of breast. Review status: no classification provided. Collection method: in vitro. Allele origin: not applicable. Functional consequence: skipped exon. Not counted in ClinVar's aggregate classification.

Dr. Peter K. Rogan Lab, Western University
No classification provided (evidence only). Condition: Familial cancer of breast. Review status: no classification provided. Collection method: in vitro. Allele origin: not applicable. Functional consequence: skipped exon, retained intron. Not counted in ClinVar's aggregate classification.

Dr. Peter K. Rogan Lab, Western University
No classification provided (evidence only). Condition: Familial cancer of breast. Review status: no classification provided. Collection method: in vitro. Allele origin: not applicable. Functional consequence: skipped exon. Not counted in ClinVar's aggregate classification.

Dr. Peter K. Rogan Lab, Western University
No classification provided (evidence only). Condition: Familial cancer of breast. Review status: no classification provided. Collection method: in vitro. Allele origin: not applicable. Functional consequence: skipped exon, retained intron. Not counted in ClinVar's aggregate classification.

Dr. Peter K. Rogan Lab, Western University
No classification provided (evidence only). Condition: Acute myeloid leukemia. Review status: no classification provided. Collection method: in vitro. Allele origin: not applicable. Functional consequence: skipped exon, retained intron. Not counted in ClinVar's aggregate classification.

Dr. Peter K. Rogan Lab, Western University
No classification provided (evidence only). Condition: Colon adenocarcinoma. Review status: no classification provided. Collection method: in vitro. Allele origin: not applicable. Functional consequence: retained intron. Not counted in ClinVar's aggregate classification.

Dr. Peter K. Rogan Lab, Western University
No classification provided (evidence only). Condition: Thyroid cancer, nonmedullary, 1. Review status: no classification provided. Collection method: in vitro. Allele origin: not applicable. Functional consequence: retained intron. Not counted in ClinVar's aggregate classification.

Dr. Peter K. Rogan Lab, Western University
No classification provided (evidence only). Condition: Thyroid cancer, nonmedullary, 1. Review status: no classification provided. Collection method: in vitro. Allele origin: not applicable. Functional consequence: skipped exon, retained intron. Not counted in ClinVar's aggregate classification.

Dr. Peter K. Rogan Lab, Western University
No classification provided (evidence only). Condition: Thyroid cancer, nonmedullary, 1. Review status: no classification provided. Collection method: in vitro. Allele origin: not applicable. Functional consequence: skipped exon, retained intron. Not counted in ClinVar's aggregate classification.

Dr. Peter K. Rogan Lab, Western University
No classification provided (evidence only). Condition: Cervical cancer. Review status: no classification provided. Collection method: in vitro. Allele origin: not applicable. Functional consequence: skipped exon, retained intron. Not counted in ClinVar's aggregate classification.

Dr. Peter K. Rogan Lab, Western University
No classification provided (evidence only). Condition: Cervical cancer. Review status: no classification provided. Collection method: in vitro. Allele origin: not applicable. Functional consequence: skipped exon. Not counted in ClinVar's aggregate classification.

Dr. Peter K. Rogan Lab, Western University
No classification provided (evidence only). Condition: Sarcoma. Review status: no classification provided. Collection method: in vitro. Allele origin: not applicable. Functional consequence: skipped exon, retained intron. Not counted in ClinVar's aggregate classification.

Dr. Peter K. Rogan Lab, Western University
No classification provided (evidence only). Condition: Sarcoma. Review status: no classification provided. Collection method: in vitro. Allele origin: not applicable. Functional consequence: skipped exon, retained intron. Not counted in ClinVar's aggregate classification.

Dr. Peter K. Rogan Lab, Western University
No classification provided (evidence only). Condition: Sarcoma. Review status: no classification provided. Collection method: in vitro. Allele origin: not applicable. Functional consequence: retained intron. Not counted in ClinVar's aggregate classification.

Dr. Peter K. Rogan Lab, Western University
No classification provided (evidence only). Condition: Sarcoma. Review status: no classification provided. Collection method: in vitro. Allele origin: not applicable. Functional consequence: skipped exon, retained intron. Not counted in ClinVar's aggregate classification.

Dr. Peter K. Rogan Lab, Western University
No classification provided (evidence only). Condition: Thymoma. Review status: no classification provided. Collection method: in vitro. Allele origin: not applicable. Functional consequence: skipped exon. Not counted in ClinVar's aggregate classification.

Dr. Peter K. Rogan Lab, Western University
No classification provided (evidence only). Condition: Cholangiocarcinoma. Review status: no classification provided. Collection method: in vitro. Allele origin: not applicable. Functional consequence: skipped exon, retained intron. Not counted in ClinVar's aggregate classification.

Dr. Peter K. Rogan Lab, Western University
No classification provided (evidence only). Condition: Ovarian serous cystadenocarcinoma. Review status: no classification provided. Collection method: in vitro. Allele origin: not applicable. Functional consequence: retained intron. Not counted in ClinVar's aggregate classification.

Dr. Peter K. Rogan Lab, Western University
No classification provided (evidence only). Condition: Gastric cancer. Review status: no classification provided. Collection method: in vitro. Allele origin: not applicable. Functional consequence: retained intron. Not counted in ClinVar's aggregate classification.

Dr. Peter K. Rogan Lab, Western University
No classification provided (evidence only). Condition: Gastric cancer. Review status: no classification provided. Collection method: in vitro. Allele origin: not applicable. Functional consequence: retained intron. Not counted in ClinVar's aggregate classification.

Dr. Peter K. Rogan Lab, Western University
No classification provided (evidence only). Condition: Uterine carcinosarcoma. Review status: no classification provided. Collection method: in vitro. Allele origin: not applicable. Functional consequence: retained intron. Not counted in ClinVar's aggregate classification.

NM_020314.7(VPS35L):c.1554G>A (p.Thr518=)

Gene: VPS35L (VPS35 endosomal protein sorting factor like; plus strand). Cytogenetic location: 16p12.3.
Variant type: single nucleotide variant.
Coding change: c.1554G>A on transcript NM_020314.7 (MANE Select); coding-DNA position 1554, G replaced by A.
Protein change: p.Thr518=; no amino-acid change (threonine 518 retained).
Molecular consequence: synonymous variant. On other transcripts: non-coding transcript variant (2).
Genome position (GRCh38, 1-based): chr16:19,629,820, G>A. VCF-style: chr16-19629820-G-A. GRCh37 (hg19) VCF-style: chr16-19641142-G-A.
Other names: NC_000016.9:g.19641142G>A; c.1353G>A, p.Thr451= (NM_001300743.3, NM_001365294.2); c.1554G>A, p.Thr518= (NM_001365293.2); c.666G>A, p.Thr222= (NM_001365295.2); c.1821G>A (NM_020314.5).
Identifiers: ClinVar variation 2672622 (VCV002672622.25), dbSNP rs144908771, ClinGen allele CA7936592.